The following is an entry in ClinVar:

ClinVar aggregate classification (germline): Uncertain significance (1 of 4 stars; one submission).

Submission:

GeneDx
Classification: Uncertain significance. Last evaluated: 2025-03-18. Review status: criteria provided, single submitter. Criteria: GeneDx Variant Classification Process June 2021. Collection method: clinical testing. Allele origin: germline. Affected: yes.
Comment: Not observed at significant frequency in large population cohorts (gnomAD); In silico analysis indicates that this missense variant does not alter protein structure/function; Has not been previously published as pathogenic or benign to our knowledge

NM_001458.5(FLNC):c.466G>A (p.Ala156Thr)

Gene: FLNC (filamin C; plus strand). Cytogenetic location: 7q32.1.
Variant type: single nucleotide variant.
Coding change: c.466G>A on transcript NM_001458.5 (MANE Select); coding-DNA position 466, G replaced by A.
Protein change: p.Ala156Thr; replaces alanine 156 with threonine.
Molecular consequence: missense variant.
Genome position (GRCh38, 1-based): chr7:128,835,439, G>A. VCF-style: chr7-128835439-G-A. GRCh37 (hg19) VCF-style: chr7-128475493-G-A.
Other names: c.466G>A, p.Ala156Thr (NM_001127487.2); short protein forms A156T.
Identifiers: ClinVar variation 4086696 (VCV004086696.1).